The following is an entry in ClinVar:

ClinVar aggregate classification (germline): Likely benign. Review status: criteria provided, single submitter (1 of 4 stars). 2 submissions from 2 submitters: Likely benign (1). 1 of the submissions does not count toward it. Last evaluated 2018-01-12.

Conditions:
Dihydropyrimidinase deficiency (DPYSD). Also called: DPH DEFICIENCY; DPYS DEFICIENCY; dihydropyrimidinuria. Identifiers: Orphanet 38874, MedGen C0342803, MONDO:0009111, OMIM 222748.

Allele frequency attached by ClinVar (database versions not stated): 1000 Genomes Project 30x 0.00219; TOPMed 0.00245; gnomAD exomes 0.00247; 1000 Genomes Project 0.00280; gnomAD 0.00378 and 0.00394.
gnomAD v4.1: 3,403 of 1,298,494 alleles (0.26%); highest among the groups gnomAD compares: Admixed American, 0.57%; 13 homozygotes.

Submissions (2):

Illumina Laboratory Services, Illumina
Classification: Likely benign for Dihydropyrimidinase deficiency. Last evaluated: 2018-01-12. Review status: criteria provided, single submitter. Criteria: ICSL Variant Classification Criteria 13 December 2019. Collection method: clinical testing. Allele origin: germline.
Comment: This variant was observed in the ICSL laboratory as part of a predisposition screen in an ostensibly healthy population. It had not been previously curated by ICSL or reported in the Human Gene Mutation Database (HGMD: prior to June 1st, 2018), and was therefore a candidate for classification through an automated scoring system. Utilizing variant allele frequency, disease prevalence and penetrance estimates, and inheritance mode, an automated score was calculated to assess if this variant is too frequent to cause the disease. Based on the score and internal cut-off values, a variant classified as likely benign is not then subjected to further curation. The score for this variant resulted in a classification of likely benign for this disease.

Diasio Lab,  Mayo Clinic
No classification provided. Review status: no classification provided. Collection method: not provided. Allele origin: unknown. Not counted in ClinVar's aggregate classification.

NM_001385.3(DPYS):c.-104T>C

Gene: DPYS (dihydropyrimidinase; minus strand). Cytogenetic location: 8q22.3.
Variant type: single nucleotide variant.
Coding change: c.-104T>C on transcript NM_001385.3 (MANE Select); 104 bases upstream of the start codon, T replaced by C.
Molecular consequence: 5 prime UTR variant.
Genome position (GRCh38, 1-based): chr8:104,467,024, A>G on the plus strand (T>C on the coding strand, the complement: DPYS is on the minus strand). VCF-style: chr8-104467024-A-G. GRCh37 (hg19) VCF-style: chr8-105479252-A-G.
Identifiers: ClinVar variation 100152 (VCV000100152.5), dbSNP rs541934140, ClinGen allele CA228231.